The following is an entry in ClinVar:

ClinVar aggregate classification (germline): Uncertain significance (1 of 4 stars; one submission).

Conditions:
Alstrom syndrome (ALMS). Identifiers: Orphanet 64, MedGen C0268425, MONDO:0008763, OMIM 203800.

Submission:

Labcorp Genetics (formerly Invitae), Labcorp
Classification: Uncertain significance for Alstrom syndrome. Last evaluated: 2024-03-01. Review status: criteria provided, single submitter. Criteria: Invitae Variant Classification Sherloc (09022015). Collection method: clinical testing. Allele origin: germline.
Comment: This sequence change replaces glutamine, which is neutral and polar, with histidine, which is basic and polar, at codon 1654 of the ALMS1 protein (p.Gln1654His). This variant is not present in population databases (gnomAD no frequency). This variant has not been reported in the literature in individuals affected with ALMS1-related conditions. Experimental studies and prediction algorithms are not available or were not evaluated, and the functional significance of this variant is currently unknown. In summary, the available evidence is currently insufficient to determine the role of this variant in disease. Therefore, it has been classified as a Variant of Uncertain Significance.

NM_001378454.1(ALMS1):c.4959G>T (p.Gln1653His)

Gene: ALMS1 (ALMS1 centrosome and basal body associated protein; plus strand). Cytogenetic location: 2p13.1.
Variant type: single nucleotide variant.
Coding change: c.4959G>T on transcript NM_001378454.1 (MANE Select); coding-DNA position 4959, G replaced by T.
Protein change: p.Gln1653His; replaces glutamine 1653 with histidine.
Molecular consequence: missense variant.
Genome position (GRCh38, 1-based): chr2:73,451,486, G>T. VCF-style: chr2-73451486-G-T. GRCh37 (hg19) VCF-style: chr2-73678613-G-T.
Other names: c.4962G>T, p.Gln1654His (NM_015120.4); short protein forms Q1653H, Q1654H.
Identifiers: ClinVar variation 3644027 (VCV003644027.2).